The following is an entry in ClinVar:

ClinVar aggregate classification (germline): Uncertain significance. Review status: criteria provided, multiple submitters, no conflicts (2 of 4 stars). 3 submissions from 3 submitters: Uncertain significance (3). Last evaluated 2025-01-30.

Conditions:
Hereditary cancer-predisposing syndrome. Also called: Neoplastic Syndromes, Hereditary; Hereditary Cancer Syndrome; Tumor predisposition; Hereditary neoplastic syndrome. Identifiers: Orphanet 140162, MedGen C0027672, MeSH D009386, MONDO:0015356.
Neurofibromatosis, type 1 (NF1). Also called: Peripheral type neurofibromatosis; VON RECKLINGHAUSEN DISEASE; NEUROFIBROMATOSIS, TYPE I, SOMATIC; Neurofibromatosis, type I. Identifiers: Orphanet 636, MedGen C0027831, MONDO:0018975, OMIM 162200. Disease mechanism: loss of function.

Allele frequency attached by ClinVar (database versions not stated): gnomAD 0.00001.

Submissions (3):

Labcorp Genetics (formerly Invitae), Labcorp
Classification: Uncertain significance for Neurofibromatosis, type 1. Last evaluated: 2025-01-30. Review status: criteria provided, single submitter. Criteria: Invitae Variant Classification Sherloc (09022015). Collection method: clinical testing. Allele origin: germline.
Comment: This sequence change replaces histidine, which is basic and polar, with tyrosine, which is neutral and polar, at codon 415 of the NF1 protein (p.His415Tyr). This variant is present in population databases (no rsID available, gnomAD 0.007%). This variant has not been reported in the literature in individuals affected with NF1-related conditions. ClinVar contains an entry for this variant (Variation ID: 584539). Invitae Evidence Modeling of protein sequence and biophysical properties (such as structural, functional, and spatial information, amino acid conservation, physicochemical variation, residue mobility, and thermodynamic stability) indicates that this missense variant is not expected to disrupt NF1 protein function with a negative predictive value of 95%. In summary, the available evidence is currently insufficient to determine the role of this variant in disease. Therefore, it has been classified as a Variant of Uncertain Significance.

Genome-Nilou Lab
Classification: Uncertain significance for Neurofibromatosis, type 1. Last evaluated: 2022-03-15. Review status: criteria provided, single submitter. Criteria: ACMG Guidelines, 2015. Collection method: clinical testing. Allele origin: germline. Affected: no.

GeneKor MSA
Classification: Uncertain significance for Hereditary cancer-predisposing syndrome. Last evaluated: 2018-08-01. Review status: criteria provided, single submitter. Criteria: ACMG Guidelines, 2015. Collection method: clinical testing. Allele origin: germline. Affected: yes.

NM_001042492.3(NF1):c.1243C>T (p.His415Tyr)

Gene: NF1 (neurofibromin 1; plus strand). Cytogenetic location: 17q11.2.
Variant type: single nucleotide variant.
Coding change: c.1243C>T on transcript NM_001042492.3 (MANE Select); coding-DNA position 1243, C replaced by T.
Protein change: p.His415Tyr; replaces histidine 415 with tyrosine.
Molecular consequence: missense variant.
Genome position (GRCh38, 1-based): chr17:31,201,468, C>T. VCF-style: chr17-31201468-C-T. GRCh37 (hg19) VCF-style: chr17-29528486-C-T.
Other names: c.1243C>T, p.His415Tyr (NM_000267.4, NM_001128147.3); short protein forms H415Y.
Identifiers: ClinVar variation 584539 (VCV000584539.8), dbSNP rs1415155749, ClinGen allele CA398997697.
Genomic context (GRCh38, chr17:31,201,468, plus strand): 5'-TAGATCTGCCTGGCTCAGAATTCACCTTCTACATTTCACTATGTGCTGGTAAATTCACTC[C>T]ATCGAATCATCACCAATGTAAGTCCAAAAGGTATTGCTAAATTACTAAAAAAATTTTTTT-3'
Protein context (NP_001035957.1, residues 405-425): TFHYVLVNSL[His415Tyr]RIITNSALDW